The following is an entry in ClinVar:

ClinVar aggregate classification (germline): Likely pathogenic (1 of 4 stars; one submission).

Conditions:
Syndromic X-linked intellectual disability Najm type (MICPCH). Also called: MICPCH SYNDROME; Intellectual developmental disorder and microcephaly with pontine and cerebellar hypoplasia; Mental retardation and microcephaly with pontine and cerebellar hypoplasia; Intellectual Disability and Microcephaly with Pontine and Cerebellar Hypoplasia; MENTAL RETARDATION, X-LINKED, SYNDROMIC, NAJM TYPE; Intellectual Disability and Microcephaly with Pontine and Cerebellar Hypoplasia (MICPCH). Identifiers: Orphanet 163937, MedGen C2677903, MONDO:0010417, OMIM 300749.

Submission:

Institute of Human Genetics, Clinical Exome/Genome Diagnostics Group, University Hospital Bonn
Classification: Likely pathogenic for Syndromic X-linked intellectual disability Najm type. Last evaluated: 2021-06-10. Review status: criteria provided, single submitter. Criteria: ACMG Guidelines, 2015. Collection method: clinical testing. Allele origin: germline. Affected: yes.
Comment: PVS1, PM2

NM_001367721.1(CASK):c.356+1G>T

Gene: CASK (calcium/calmodulin dependent serine protein kinase; minus strand). Cytogenetic location: Xp11.4.
Variant type: single nucleotide variant.
Coding change: c.356+1G>T on transcript NM_001367721.1 (MANE Select); the canonical splice donor site of the intron after coding-DNA position 356, G replaced by T.
Molecular consequence: splice donor variant.
Genome position (GRCh38, 1-based): chrX:41,745,523, C>A on the plus strand (G>T on the coding strand, the complement: CASK is on the minus strand). VCF-style: chrX-41745523-C-A. GRCh37 (hg19) VCF-style: chrX-41604776-C-A.
Other names: c.356+1G>T (NM_001126055.3, NM_001410745.1, NM_001126054.3 and 1 more transcripts).
Identifiers: ClinVar variation 1343235 (VCV001343235.1), dbSNP rs2147736023, ClinGen allele CA413002964.
Genomic context (GRCh38, chrX:41,745,523, plus strand): 5'-TTTGTCATTTTCTTTTTTTATTTTCAACTTGACCTCTGGTGATTAGATATACAATACATA[C>A]CTGGCTACAGCTTCACTGTACACAAAACCAGCGTCAGCTCGCTTTACGATTTCAAAACAC-3'